The following is an entry in ClinVar:

ClinVar aggregate classification (germline): Uncertain significance. Review status: criteria provided, multiple submitters, no conflicts (2 of 4 stars). 2 submissions from 2 submitters: Uncertain significance (2). Last evaluated 2022-01-13.

Conditions:
Fanconi anemia complementation group I (FANCI). Also called: FANCI-Related Fanconi Anemia. Identifiers: Orphanet 84, MedGen C1836861, MONDO:0012186, OMIM 609053.
Fanconi anemia (FA). Also called: Fanconi's anemia. Identifiers: Orphanet 84, MedGen C0015625, MeSH D005199, MONDO:0019391.

Allele frequency attached by ClinVar (database versions not stated): gnomAD exomes 0.00001; ExAC 0.00002.
gnomAD v4.1: 18 of 1,614,134 alleles (0.0011%); highest among the groups gnomAD compares: Non-Finnish European, 0.0014%; no homozygotes.

Submissions (2):

Fulgent Genetics
Classification: Uncertain significance for Fanconi anemia complementation group I. Last evaluated: 2022-01-13. Review status: criteria provided, single submitter. Criteria: ACMG Guidelines, 2015. Collection method: clinical testing. Allele origin: unknown.

Labcorp Genetics (formerly Invitae), Labcorp
Classification: Uncertain significance for Fanconi anemia. Last evaluated: 2021-08-27. Review status: criteria provided, single submitter. Criteria: Invitae Variant Classification Sherloc (09022015). Collection method: clinical testing. Allele origin: germline.
Comment: This sequence change replaces threonine with arginine at codon 1069 of the FANCI protein (p.Thr1069Arg). The threonine residue is weakly conserved and there is a moderate physicochemical difference between threonine and arginine. This variant is present in population databases (rs763822728, ExAC 0.003%). This variant has not been reported in the literature in individuals affected with FANCI-related conditions. Algorithms developed to predict the effect of missense changes on protein structure and function (SIFT, PolyPhen-2, Align-GVGD) all suggest that this variant is likely to be tolerated. In summary, the available evidence is currently insufficient to determine the role of this variant in disease. Therefore, it has been classified as a Variant of Uncertain Significance.

NM_001113378.2(FANCI):c.3206C>G (p.Thr1069Arg)

Gene: FANCI (FA complementation group I; plus strand). Cytogenetic location: 15q26.1.
Variant type: single nucleotide variant.
Coding change: c.3206C>G on transcript NM_001113378.2 (MANE Select); coding-DNA position 3206, C replaced by G.
Protein change: p.Thr1069Arg; replaces threonine 1069 with arginine.
Molecular consequence: missense variant.
Genome position (GRCh38, 1-based): chr15:89,305,360, C>G. VCF-style: chr15-89305360-C-G. GRCh37 (hg19) VCF-style: chr15-89848591-C-G.
Other names: c.2927C>G, p.Thr976Arg (NM_001376910.1); c.3206C>G, p.Thr1069Arg (NM_001376911.1); c.3026C>G, p.Thr1009Arg (NM_018193.3); short protein forms T1009R, T1069R, T976R.
Identifiers: ClinVar variation 1003432 (VCV001003432.7), dbSNP rs763822728, ClinGen allele CA7723640.
Genomic context (GRCh38, chr15:89,305,360, plus strand): 5'-ACCTTACTGTCATTAGGTCTCACCTCTCTTCTTTTCCCCAGGATGTAGAGGTGGAGAAAA[C>G]AAACCACTTTGCAATAGTGAATTTGAGAACGGCTGCCCCCACTGTCTGTGTAAGTGTTGT-3'
Protein context (NP_001106849.1, residues 1059-1079): DIDQDVEVEK[Thr1069Arg]NHFAIVNLRT